The following is an entry in ClinVar:

ClinVar aggregate classification (germline): Benign/Likely benign. Review status: criteria provided, multiple submitters, no conflicts (2 of 4 stars). 2 submissions from 2 submitters: Benign (1); Likely benign (1). Last evaluated 2024-03-20.

Conditions:
Thrombocytopenia. Identifiers: MedGen C0040034, MeSH D013921, MONDO:0002049, HP:0001873.

Allele frequency attached by ClinVar (database versions not stated): gnomAD 0.00003 and 0.00009; TOPMed 0.00004; gnomAD exomes 0.00012 and 0.00023; ESP Exome Variant Server 0.00015; ExAC 0.00021; 1000 Genomes Project 30x 0.00047; 1000 Genomes Project 0.00060.
gnomAD v4.1: 188 of 1,613,322 alleles (0.012%); highest among the groups gnomAD compares: South Asian, 0.16%; 2 homozygotes.

Submissions (2):

Blueprint Genetics
Classification: Likely benign. Last evaluated: 2024-03-20. Review status: criteria provided, single submitter. Criteria: ACMG Guidelines, 2015. Collection method: clinical testing. Allele origin: germline.

Illumina Laboratory Services, Illumina
Classification: Benign for Thrombocytopenia. Last evaluated: 2018-01-12. Review status: criteria provided, single submitter. Criteria: ICSL Variant Classification Criteria 13 December 2019. Collection method: clinical testing. Allele origin: germline.
Comment: This variant was observed in the ICSL laboratory as part of a predisposition screen in an ostensibly healthy population. It had not been previously curated by ICSL or reported in the Human Gene Mutation Database (HGMD: prior to June 1st, 2018), and was therefore a candidate for classification through an automated scoring system. Utilizing variant allele frequency, disease prevalence and penetrance estimates, and inheritance mode, an automated score was calculated to assess if this variant is too frequent to cause the disease. Based on the score and internal cut-off values, a variant classified as benign is not then subjected to further curation. The score for this variant resulted in a classification of benign for this disease.

NM_001172303.3(MASTL):c.985-7C>T

Gene: MASTL (microtubule associated serine/threonine kinase like; plus strand). Cytogenetic location: 10p12.1.
Variant type: single nucleotide variant.
Coding change: c.985-7C>T on transcript NM_001172303.3 (MANE Select); 7 bases into the intron before coding-DNA position 985, C replaced by T.
Molecular consequence: intron variant.
Genome position (GRCh38, 1-based): chr10:27,169,937, C>T. VCF-style: chr10-27169937-C-T. GRCh37 (hg19) VCF-style: chr10-27458866-C-T.
Other names: c.502-7C>T (NM_001372029.1, NM_001372030.1); c.985-7C>T (NM_001320757.2, NM_001320756.2, NM_032844.5 and 1 more transcripts).
Identifiers: ClinVar variation 299791 (VCV000299791.6), dbSNP rs377728904, ClinGen allele CA5450130.